The following is an entry in ClinVar:

ClinVar aggregate classification (germline): Uncertain significance. Review status: criteria provided, multiple submitters, no conflicts (2 of 4 stars). 2 submissions from 2 submitters: Uncertain significance (2). Last evaluated 2025-01-02.

Conditions:
Early-onset Lafora body disease. Also called: Epilepsy, progressive myoclonic, 10. Identifiers: Orphanet 324290, MedGen C4225258, MONDO:0014717, OMIM 616640.

Allele frequency attached by ClinVar (database versions not stated): gnomAD exomes 0.00001; TOPMed 0.00001; ExAC 0.00003.

Submissions (2):

Ambry Genetics
Classification: Uncertain significance. Last evaluated: 2025-01-02. Review status: criteria provided, single submitter. Criteria: Ambry Variant Classification Scheme 2023. Collection method: clinical testing. Allele origin: germline.

Labcorp Genetics (formerly Invitae), Labcorp
Classification: Uncertain significance for Early-onset Lafora body disease. Last evaluated: 2021-08-27. Review status: criteria provided, single submitter. Criteria: Invitae Variant Classification Sherloc (09022015). Collection method: clinical testing. Allele origin: germline.
Comment: This sequence change replaces alanine with valine at codon 546 of the PRDM8 protein (p.Ala546Val). The alanine residue is moderately conserved and there is a small physicochemical difference between alanine and valine. This variant is present in population databases (rs781679159, ExAC 0.007%). This variant has not been reported in the literature in individuals affected with PRDM8-related conditions. Algorithms developed to predict the effect of missense changes on protein structure and function are either unavailable or do not agree on the potential impact of this missense change (SIFT: "Tolerated"; PolyPhen-2: "Possibly Damaging"; Align-GVGD: "Class C0"). In summary, the available evidence is currently insufficient to determine the role of this variant in disease. Therefore, it has been classified as a Variant of Uncertain Significance.

NM_001099403.2(PRDM8):c.1637C>T (p.Ala546Val)

Gene: PRDM8 (PR/SET domain 8; plus strand). Cytogenetic location: 4q21.21.
Variant type: single nucleotide variant.
Coding change: c.1637C>T on transcript NM_001099403.2 (MANE Select); coding-DNA position 1637, C replaced by T.
Protein change: p.Ala546Val; replaces alanine 546 with valine.
Molecular consequence: missense variant.
Genome position (GRCh38, 1-based): chr4:80,203,099, C>T. VCF-style: chr4-80203099-C-T. GRCh37 (hg19) VCF-style: chr4-81124253-C-T.
Other names: c.1637C>T, p.Ala546Val (NM_020226.4); c.1637C>T (NM_020226.3); short protein forms A546V.
Identifiers: ClinVar variation 999714 (VCV000999714.7), dbSNP rs781679159, ClinGen allele CA2982420.